The following is an entry in ClinVar:

NM_005334.3(HCFC1):c.2029-7_2029-6insTAA

Gene: HCFC1 (host cell factor C1; minus strand). Cytogenetic location: Xq28.
Variant type: Insertion.
Coding change: c.2029-7_2029-6insTAA on transcript NM_005334.3 (MANE Select); 7 bases into the intron before coding-DNA position 2029 through 6 bases into the intron before coding-DNA position 2029, TAA inserted.
Molecular consequence: intron variant.
Genome position: GRCh38 VCF-style: chrX-153957892-A-AATT. GRCh37 (hg19) VCF-style: chrX-153223343-A-AATT.
Identifiers: ClinVar variation 450532 (VCV000450532.2), dbSNP rs1383257179, ClinGen allele CA645289650.
Genomic context (GRCh38, chrX:153,957,892, plus strand): 5'-AAGTCTGAACTGGTTTGGTCTGGACCACCGACATCACTTTGCCCAGATTGGAAATCTAAA[A>AATT]AGGAAGGGATGGAGCAAGGAGTGATCTGGAAACCAAACAAGGGCATGGCCTGGCTGAGAC-3'

ClinVar aggregate classification (germline): Uncertain significance (1 of 4 stars; one submission).

Submission:

GeneDx
Classification: Uncertain significance. Last evaluated: 2019-01-18. Review status: criteria provided, single submitter. Criteria: GeneDx Variant Classification (06012015). Collection method: clinical testing. Allele origin: germline. Affected: yes.
Comment: The c.2029-7_2029-6insAAT variant in the HCFC1 gene has not been reported previously as a pathogenic variant nor as a benign variant, to our knowledge. This variant results in the insertion of three nucleotides and is predicted to slightly damage the natural splice acceptor site of intron 11, which may cause abnormal gene splicing. The c.2029-7_2029-6insAAT variant is not observed in large population cohorts (Lek et al., 2016; 1000 Genomes Consortium et al., 2015; Exome Variant Server). We interpret c.2029-7_2029-6insAAT as a variant of uncertain significance.